The following is an entry in ClinVar:

NM_001034853.2(RPGR):c.2296_2299dup (p.Glu767fs)

Gene: RPGR (retinitis pigmentosa GTPase regulator; minus strand). Cytogenetic location: Xp11.4.
Variant type: Microsatellite.
Coding change: c.2296_2299dup on transcript NM_001034853.2 (MANE Select); coding-DNA positions 2296 to 2299, 4 bases duplicated (GGAG; older notation c.2296_2299dupGGAG).
Protein change: p.Glu767fs; shifts the reading frame from glutamic acid 767.
Molecular consequence: frameshift variant. On other transcripts: intron variant (8).
Genome position (GRCh38, 1-based): chrX:38,286,700-38,286,703, CTCC duplicated on the plus strand (GGAG on the coding strand, the reverse complement: RPGR is on the minus strand); duplicating any 4 consecutive bases within chrX:38,286,700-38,286,707 gives the same sequence; the c. name uses the placement nearest the transcript's 3' end. VCF-style (leftmost placement, unchanged base first): chrX-38286699-T-TCTCC. GRCh37 (hg19) VCF-style: chrX-38145952-T-TCTCC.
Other names: c.1569+4252GGAG[3] (NM_001367249.1, NM_001367250.1); c.1902+387GGAG[3] (NM_001367245.1); c.1386+4252GGAG[3] (NM_001367251.1); c.1719+387GGAG[3] (NM_001367246.1); c.1572+4252GGAG[3] (NM_001367247.1); c.1905+387GGAG[3] (NM_000328.3); c.1602+4252GGAG[3] (NM_001367248.1); short protein forms E767fs.
Identifiers: ClinVar variation 3722726 (VCV003722726.2).

ClinVar aggregate classification (germline): Pathogenic (1 of 4 stars; one submission).

Conditions:
Primary ciliary dyskinesia. Also called: Ciliary dyskinesia. Identifiers: Orphanet 244, MedGen C0008780, MONDO:0016575, HP:0012265.

Submission:

Labcorp Genetics (formerly Invitae), Labcorp
Classification: Pathogenic for Primary ciliary dyskinesia. Last evaluated: 2024-10-11. Review status: criteria provided, single submitter. Criteria: Invitae Variant Classification Sherloc (09022015). Collection method: clinical testing. Allele origin: germline.
Comment: This sequence change creates a premature translational stop signal (p.Glu767Glyfs*4) in the RPGR (ORF15) gene. While this is not anticipated to result in nonsense mediated decay, it is expected to disrupt the last 386 amino acid(s) of the RPGR (ORF15) protein. This variant is not present in population databases (gnomAD no frequency). This variant has not been reported in the literature in individuals affected with RPGR (ORF15)-related conditions. This variant disrupts a region of the RPGR (ORF15) protein in which other variant(s) (p.Leu1130Lysfs*13) have been determined to be pathogenic (PMID: 22264887; internal data). This suggests that this is a clinically significant region of the protein, and that variants that disrupt it are likely to be disease-causing. For these reasons, this variant has been classified as Pathogenic.

Literature cited by the submitters: PubMed 22264887.